The following is an entry in ClinVar:

NM_003054.6(SLC18A2):c.1160C>T (p.Pro387Leu)

Gene: SLC18A2 (solute carrier family 18 member A2; plus strand). Cytogenetic location: 10q25.3.
Variant type: single nucleotide variant.
Coding change: c.1160C>T on transcript NM_003054.6 (MANE Select); coding-DNA position 1160, C replaced by T.
Protein change: p.Pro387Leu; replaces proline 387 with leucine.
Molecular consequence: missense variant.
Genome position (GRCh38, 1-based): chr10:117,267,710, C>T. VCF-style: chr10-117267710-C-T. GRCh37 (hg19) VCF-style: chr10-119027221-C-T.
Other names: short protein forms P387L.
Identifiers: ClinVar variation 548130 (VCV000548130.5), dbSNP rs1392638187, ClinGen allele CA378513318.

ClinVar aggregate classification (germline): Pathogenic/Likely pathogenic. Review status: criteria provided, multiple submitters, no conflicts (2 of 4 stars). 3 submissions from 3 submitters: Pathogenic (1); Likely pathogenic (1). 1 of the submissions does not count toward it. Last evaluated 2025-09-10.

Conditions:
Brain dopamine-serotonin vesicular transport disease (PKDYS2). Also called: PARKINSONISM-DYSTONIA, INFANTILE, 2; PARKINSONISM-DYSTONIA 2, INFANTILE-ONSET; BRAIN MONOAMINE VESICULAR TRANSPORT DISEASE. Identifiers: Orphanet 352649, MedGen C4303546, MONDO:0018130, OMIM 618049.

Allele frequency attached by ClinVar (database versions not stated): gnomAD exomes below 0.00001.
gnomAD v4.1: 5 of 1,566,426 alleles (0.00032%); highest among the groups gnomAD compares: East Asian, 0.0023%; no homozygotes.

Submissions (3):

3billion
Classification: Pathogenic for Brain dopamine-serotonin vesicular transport disease. Last evaluated: 2025-09-10. Review status: criteria provided, single submitter. Criteria: ACMG Guidelines, 2015. Collection method: clinical testing. Allele origin: germline. Affected: yes.
Comment: The variant is observed at an extremely low frequency in the gnomAD v4.1.0 dataset (total allele frequency: <0.001%). Predicted Consequence/Location: Missense variant Functional studies provide moderate evidence of the variant having a damaging effect on the gene or gene product (PMID: 23363473). In silico tool predictions suggest damaging effect of the variant on gene or gene product [REVEL: 0.63 (>=0.6, sensitivity 0.68 and specificity 0.92)]. The same nucleotide change resulting in the same amino acid change has been previously reported as pathogenic/likely pathogenic with strong evidence (ClinVar ID: VCV000548130 /PMID: 23363473). Therefore, this variant is classified as Pathogenic according to the recommendation of ACMG/AMP guideline.

Genomic Medicine Center of Excellence, King Faisal Specialist Hospital and Research Centre
Classification: Likely pathogenic for Brain dopamine-serotonin vesicular transport disease. Last evaluated: 2024-03-17. Review status: criteria provided, single submitter. Criteria: ACMG Guidelines, 2015. Collection method: research. Allele origin: germline.

OMIM
Classification: Pathogenic for PARKINSONISM-DYSTONIA, INFANTILE, 2. Last evaluated: 2023-12-11. Review status: no assertion criteria provided. Collection method: literature only. Allele origin: germline. Not counted in ClinVar's aggregate classification.

Literature cited by the submitters: PubMed 23363473 (cited by 3billion); Rilstone, J. J., Alkhater, R. A., Minassian, B. A. Brain dopamine-serotonin vesicular transport disease and its treatment. New Eng. J. Med. 368: 543-550, 2013. (cited by OMIM).